The following is an entry in ClinVar:

ClinVar aggregate classification (germline): Conflicting classifications of pathogenicity. Review status: criteria provided, conflicting classifications (1 of 4 stars). 3 submissions from 3 submitters: Uncertain significance (1); Likely benign (2). Last evaluated 2023-07-26.

Conditions:
Hereditary cancer-predisposing syndrome. Also called: Hereditary neoplastic syndrome; Neoplastic Syndromes, Hereditary; Tumor predisposition; Hereditary Cancer Syndrome. Identifiers: Orphanet 140162, MedGen C0027672, MeSH D009386, MONDO:0015356.
Hereditary breast ovarian cancer syndrome. Also called: Hereditary breast and ovarian cancer syndrome (HBOC); BRCA1- and BRCA2-Associated Hereditary Breast and Ovarian Cancer; Hereditary breast and ovarian cancer syndrome; Breast and ovarian cancer; Hereditary breast and ovarian cancer; Hereditary breast and/or ovarian cancer syndrome. Identifiers: Orphanet 145, MedGen C0677776, MeSH D061325, MONDO:0003582. Disease mechanism: loss of function.

Submissions (3):

Labcorp Genetics (formerly Invitae), Labcorp
Classification: Uncertain significance for Hereditary breast ovarian cancer syndrome. Last evaluated: 2023-07-26. Review status: criteria provided, single submitter. Criteria: Invitae Variant Classification Sherloc (09022015). Collection method: clinical testing. Allele origin: germline.
Comment: This sequence change replaces glycine, which is neutral and non-polar, with cysteine, which is neutral and slightly polar, at codon 800 of the BRCA2 protein (p.Gly800Cys). This variant is not present in population databases (gnomAD no frequency). In summary, the available evidence is currently insufficient to determine the role of this variant in disease. Therefore, it has been classified as a Variant of Uncertain Significance. Advanced modeling of protein sequence and biophysical properties (such as structural, functional, and spatial information, amino acid conservation, physicochemical variation, residue mobility, and thermodynamic stability) performed at Invitae indicates that this missense variant is not expected to disrupt BRCA2 protein function. ClinVar contains an entry for this variant (Variation ID: 531262). This variant has not been reported in the literature in individuals affected with BRCA2-related conditions.

Ambry Genetics
Classification: Likely benign for Hereditary cancer-predisposing syndrome. Last evaluated: 2023-04-14. Review status: criteria provided, single submitter. Criteria: Ambry Variant Classification Scheme 2023. Collection method: clinical testing. Allele origin: germline.

University of Washington Department of Laboratory Medicine, University of Washington
Classification: Likely benign for Hereditary cancer-predisposing syndrome. Last evaluated: 2023-03-23. Review status: criteria provided, single submitter. Criteria: Dines et al. (Genet Med. 2020). Collection method: curation. Allele origin: germline.
Comment: Missense variant in a coldspot region where missense variants are very unlikely to be pathogenic (PMID:31911673).

BRCA2 exon 11 coldspot. Reclassification based on statistical prior probability.

NM_000059.4(BRCA2):c.2398G>T (p.Gly800Cys)

Gene: BRCA2 (BRCA2 DNA repair associated; plus strand). Cytogenetic location: 13q13.1.
Variant type: single nucleotide variant.
Coding change: c.2398G>T on transcript NM_000059.4 (MANE Select); coding-DNA position 2398, G replaced by T.
Protein change: p.Gly800Cys; replaces glycine 800 with cysteine.
Molecular consequence: missense variant.
Genome position (GRCh38, 1-based): chr13:32,336,753, G>T. VCF-style: chr13-32336753-G-T. GRCh37 (hg19) VCF-style: chr13-32910890-G-T.
Other names: short protein forms G800C.
Identifiers: ClinVar variation 531262 (VCV000531262.12), dbSNP rs431825297, ClinGen allele CA387771953.